The following is an entry in ClinVar:

NM_020207.7(ERCC6L2):c.964C>T (p.Leu322Phe)

Gene: ERCC6L2 (ERCC excision repair 6 like 2; plus strand). Cytogenetic location: 9q22.32.
Variant type: single nucleotide variant.
Coding change: c.964C>T on transcript NM_020207.7 (MANE Select); coding-DNA position 964, C replaced by T.
Protein change: p.Leu322Phe; replaces leucine 322 with phenylalanine.
Molecular consequence: missense variant. On other transcripts: non-coding transcript variant (1).
Genome position (GRCh38, 1-based): chr9:95,916,240, C>T. VCF-style: chr9-95916240-C-T. GRCh37 (hg19) VCF-style: chr9-98678522-C-T.
Other names: c.964C>T, p.Leu322Phe (NM_001010895.4, NM_001375291.1, NM_001375292.1 and 2 more transcripts); short protein forms L322F.
Identifiers: ClinVar variation 4019413 (VCV004019413.1).
Genomic context (GRCh38, chr9:95,916,240, plus strand): 5'-TTTTTAGATAATAAAGCCCTTACATTTTTCTTATTGTCTTTATAAAGGGCTGTGCCAGGC[C>T]TTTTAGGGAGTGGGACCTACTTCAAGAAGCAGTTTTCTGACCCAGTAGAACATGGTCAGA-3'
Protein context (NP_064592.3, residues 312-332): WCVMDWAVPG[Leu322Phe]LGSGTYFKKQ

ClinVar aggregate classification (germline): Uncertain significance (1 of 4 stars; one submission).

Conditions:
Inborn genetic diseases. Identifiers: MedGen C0950123, MeSH D030342.

Submission:

Ambry Genetics
Classification: Uncertain significance for Inborn genetic diseases. Last evaluated: 2025-06-13. Review status: criteria provided, single submitter. Criteria: Ambry Variant Classification Scheme 2023. Collection method: clinical testing. Allele origin: germline.
Comment: The p.L322F variant (also known as c.964C>T), located in coding exon 6 of the ERCC6L2 gene, results from a C to T substitution at nucleotide position 964. The leucine at codon 322 is replaced by phenylalanine, an amino acid with highly similar properties. This amino acid position is conserved. In addition, the in silico prediction for this alteration is inconclusive. Based on the available evidence, the clinical significance of this variant remains unclear.